The following is an entry in ClinVar:

ClinVar aggregate classification (germline): Pathogenic. Review status: criteria provided, multiple submitters, no conflicts (2 of 4 stars). 2 submissions from 2 submitters: Pathogenic (2). Last evaluated 2023-05-05.

Conditions:
Neuromuscular disease caused by qualitative or quantitative defects of dysferlin. Also called: Qualitative or quantitative defects of dysferlin; Dysferlinopathy. Identifiers: Orphanet 207073, MedGen C2931687, MONDO:0016145.

Allele frequency attached by ClinVar (database versions not stated): gnomAD exomes 0.00001 and below 0.00001.
gnomAD v4.1: 2 of 1,614,216 alleles (0.00012%); highest among the groups gnomAD compares: Admixed American, 0.0033%; no homozygotes.

Submissions (2):

Labcorp Genetics (formerly Invitae), Labcorp
Classification: Pathogenic for Neuromuscular disease caused by qualitative or quantitative defects of dysferlin. Last evaluated: 2023-05-05. Review status: criteria provided, single submitter. Criteria: Invitae Variant Classification Sherloc (09022015). Collection method: clinical testing. Allele origin: germline.
Comment: This sequence change creates a premature translational stop signal (p.Gln1882*) in the DYSF gene. It is expected to result in an absent or disrupted protein product. Loss-of-function variants in DYSF are known to be pathogenic (PMID: 17698709, 20301480). This variant is present in population databases (rs398123795, gnomAD 0.006%). This variant has not been reported in the literature in individuals affected with DYSF-related conditions. ClinVar contains an entry for this variant (Variation ID: 94342). Algorithms developed to predict the effect of sequence changes on RNA splicing suggest that this variant may disrupt the consensus splice site. For these reasons, this variant has been classified as Pathogenic.

Eurofins Ntd Llc (ga)
Classification: Pathogenic. Last evaluated: 2013-10-30. Review status: criteria provided, single submitter. Criteria: EGL Classification Definitions. Collection method: clinical testing. Allele origin: germline. Observed: 1 variant allele, 1 heterozygote.

Literature cited by the submitters: PubMed 17698709 (cited by Labcorp Genetics (formerly Invitae), Labcorp); PubMed 20301480 (cited by Labcorp Genetics (formerly Invitae), Labcorp).

NM_001130987.2(DYSF):c.5761C>T (p.Gln1921Ter)

Gene: DYSF (dysferlin; plus strand). Cytogenetic location: 2p13.2.
Variant type: single nucleotide variant.
Coding change: c.5761C>T on transcript NM_001130987.2 (MANE Select); coding-DNA position 5761, C replaced by T.
Protein change: p.Gln1921Ter; replaces glutamine 1921 with a stop codon.
Molecular consequence: nonsense.
Genome position (GRCh38, 1-based): chr2:71,669,723, C>T. VCF-style: chr2-71669723-C-T. GRCh37 (hg19) VCF-style: chr2-71896853-C-T.
Other names: c.5647C>T, p.Gln1883Ter (NM_001130455.2); c.5602C>T, p.Gln1868Ter (NM_001130976.2); c.5665C>T, p.Gln1889Ter (NM_001130977.2); c.5707C>T, p.Gln1903Ter (NM_001130978.2); c.5737C>T, p.Gln1913Ter (NM_001130979.2); c.5695C>T, p.Gln1899Ter (NM_001130980.2); c.5758C>T, p.Gln1920Ter (NM_001130981.2); c.5740C>T, p.Gln1914Ter (NM_001130982.2); and 5 more; short protein forms Q1882*, Q1903*, Q1921*, Q1900*, Q1904*, Q1868*, Q1920*, Q1883*.
Identifiers: ClinVar variation 94342 (VCV000094342.11), dbSNP rs398123795, ClinGen allele CA222193.